The following is an entry in ClinVar:

ClinVar aggregate classification (germline): Uncertain significance (1 of 4 stars; one submission).

Conditions:
Autosomal recessive limb-girdle muscular dystrophy type 2D (LGMDR3). Also called: MUSCULAR DYSTROPHY, LIMB-GIRDLE, AUTOSOMAL RECESSIVE 3; DUCHENNE-LIKE AUTOSOMAL RECESSIVE MUSCULAR DYSTROPHY, TYPE 2; ADHALINOPATHY, PRIMARY. Identifiers: Orphanet 62, MedGen C2936332, MONDO:0011968, OMIM 608099. Disease mechanism: Affects gamma-sarcoglycan and also disrupts the integrity of the entire sarcoglycan complex..

Submission:

Kariminejad - Najmabadi Pathology & Genetics Center
Classification: Uncertain significance for Autosomal recessive limb-girdle muscular dystrophy type 2D. Last evaluated: 2023-02-10. Review status: criteria provided, single submitter. Criteria: ACMG Guidelines, 2015. Collection method: clinical testing. Allele origin: germline. Inheritance: Autosomal recessive inheritance. Affected: yes.
Comment: PM2_Moderate,PP3_Moderate

NM_000023.4(SGCA):c.747+4A>C

Gene: SGCA (sarcoglycan alpha; plus strand). Cytogenetic location: 17q21.33.
Variant type: single nucleotide variant.
Coding change: c.747+4A>C on transcript NM_000023.4 (MANE Select); 4 bases into the intron after coding-DNA position 747, A replaced by C.
Molecular consequence: intron variant.
Genome position (GRCh38, 1-based): chr17:50,169,258, A>C. VCF-style: chr17-50169258-A-C. GRCh37 (hg19) VCF-style: chr17-48246619-A-C.
Other names: c.584+686A>C (NM_001135697.3).
Identifiers: ClinVar variation 3896999 (VCV003896999.1).